The following is an entry in ClinVar:

ClinVar aggregate classification (germline): Uncertain significance (1 of 4 stars; one submission).

Conditions:
Congenital myasthenic syndrome 5. Identifiers: Orphanet 590, MedGen C1864233, MONDO:0011281, OMIM 603034.

Allele frequency attached by ClinVar (database versions not stated): gnomAD exomes below 0.00001.

Submission:

Labcorp Genetics (formerly Invitae), Labcorp
Classification: Uncertain significance for Congenital myasthenic syndrome 5. Last evaluated: 2022-11-01. Review status: criteria provided, single submitter. Criteria: Invitae Variant Classification Sherloc (09022015). Collection method: clinical testing. Allele origin: germline.
Comment: This sequence change replaces cysteine, which is neutral and slightly polar, with tyrosine, which is neutral and polar, at codon 451 of the COLQ protein (p.Cys451Tyr). This variant is present in population databases (no rsID available, gnomAD 0.0009%). This missense change has been observed in individual(s) with clinical features of congenital myasthenic syndrome (Invitae). ClinVar contains an entry for this variant (Variation ID: 1512627). Advanced modeling of protein sequence and biophysical properties (such as structural, functional, and spatial information, amino acid conservation, physicochemical variation, residue mobility, and thermodynamic stability) has been performed at Invitae for this missense variant, however the output from this modeling did not meet the statistical confidence thresholds required to predict the impact of this variant on COLQ protein function. This variant disrupts the p.Cys451 amino acid residue in COLQ. Other variant(s) that disrupt this residue have been observed in individuals with COLQ-related conditions (PMID: 22088788), which suggests that this may be a clinically significant amino acid residue. In summary, the available evidence is currently insufficient to determine the role of this variant in disease. Therefore, it has been classified as a Variant of Uncertain Significance.

Literature cited by the submitters: PubMed 22088788.

NM_005677.4(COLQ):c.1352G>A (p.Cys451Tyr)

Gene: COLQ (collagen like tail subunit of asymmetric acetylcholinesterase; minus strand). Cytogenetic location: 3p25.1.
Variant type: single nucleotide variant.
Coding change: c.1352G>A on transcript NM_005677.4 (MANE Select); coding-DNA position 1352, G replaced by A.
Protein change: p.Cys451Tyr; replaces cysteine 451 with tyrosine.
Molecular consequence: missense variant.
Genome position (GRCh38, 1-based): chr3:15,451,660, C>T on the plus strand (G>A on the coding strand, the complement: COLQ is on the minus strand). VCF-style: chr3-15451660-C-T. GRCh37 (hg19) VCF-style: chr3-15493167-C-T.
Other names: c.1322G>A, p.Cys441Tyr (NM_080538.2); c.1250G>A, p.Cys417Tyr (NM_080539.4); short protein forms C451Y, C441Y, C417Y.
Identifiers: ClinVar variation 1512627 (VCV001512627.6), dbSNP rs1455550822, ClinGen allele CA351595164.
Genomic context (GRCh38, chr3:15,451,660, plus strand): 5'-GCTGCCAGTTCTGTGGGGCGCAGCCCACCTTCTCCTCACGGCCCTCAGGTGAAGTAGCGG[C>T]AGGGCGTGGAGTCGATGTAGCAGTACTGGGTGCATTGCAGGTCTCCATATGACCTGAGGG-3'
Protein context (NP_005668.2, residues 441-455): TQYCYIDSTP[Cys451Tyr]RYFT